The following is an entry in ClinVar:

ClinVar aggregate classification (germline): Uncertain significance. Review status: criteria provided, multiple submitters, no conflicts (2 of 4 stars). 2 submissions from 2 submitters: Uncertain significance (2). Last evaluated 2024-02-23.

Conditions:
Niemann-Pick disease, type C1. Also called: NEUROVISCERAL STORAGE DISEASE WITH VERTICAL SUPRANUCLEAR OPHTHALMOPLEGIA; NIEMANN-PICK DISEASE WITH CHOLESTEROL ESTERIFICATION BLOCK; NIEMANN-PICK DISEASE WITHOUT SPHINGOMYELINASE DEFICIENCY; NIEMANN-PICK DISEASE, CHRONIC NEURONOPATHIC FORM; NIEMANN-PICK DISEASE, VARIANT TYPE C1. Identifiers: Orphanet 646, MedGen C3179455, MONDO:0009757, OMIM 257220.

Submissions (2):

Labcorp Genetics (formerly Invitae), Labcorp
Classification: Uncertain significance for Niemann-Pick disease, type C1. Last evaluated: 2024-02-23. Review status: criteria provided, single submitter. Criteria: Invitae Variant Classification Sherloc (09022015). Collection method: clinical testing. Allele origin: germline.
Comment: This sequence change replaces phenylalanine, which is neutral and non-polar, with tyrosine, which is neutral and polar, at codon 966 of the NPC1 protein (p.Phe966Tyr). This variant is not present in population databases (gnomAD no frequency). This variant has not been reported in the literature in individuals affected with NPC1-related conditions. ClinVar contains an entry for this variant (Variation ID: 1393946). Advanced modeling of protein sequence and biophysical properties (such as structural, functional, and spatial information, amino acid conservation, physicochemical variation, residue mobility, and thermodynamic stability) performed at Invitae indicates that this missense variant is expected to disrupt NPC1 protein function with a positive predictive value of 95%. In summary, the available evidence is currently insufficient to determine the role of this variant in disease. Therefore, it has been classified as a Variant of Uncertain Significance.

Fulgent Genetics
Classification: Uncertain significance for Niemann-Pick disease, type C1. Last evaluated: 2021-11-26. Review status: criteria provided, single submitter. Criteria: ACMG Guidelines, 2015. Collection method: clinical testing. Allele origin: unknown.

NM_000271.5(NPC1):c.2897T>A (p.Phe966Tyr)

Gene: NPC1 (NPC intracellular cholesterol transporter 1; minus strand). Cytogenetic location: 18q11.2.
Variant type: single nucleotide variant.
Coding change: c.2897T>A on transcript NM_000271.5 (MANE Select); coding-DNA position 2897, T replaced by A.
Protein change: p.Phe966Tyr; replaces phenylalanine 966 with tyrosine.
Molecular consequence: missense variant.
Genome position (GRCh38, 1-based): chr18:23,539,369, A>T on the plus strand (T>A on the coding strand, the complement: NPC1 is on the minus strand). VCF-style: chr18-23539369-A-T. GRCh37 (hg19) VCF-style: chr18-21119333-A-T.
Other names: short protein forms F966Y.
Identifiers: ClinVar variation 1393946 (VCV001393946.9), dbSNP rs2145370245, ClinGen allele CA401792394.
Genomic context (GRCh38, chr18:23,539,369, plus strand): 5'-AAAATTTTTCAGCAAAACAGGAAAGATTTGGTAAAGGAGAAGGTACCTGAAGCATTGCAG[A>T]ACTGGTCAGTGATATTGTCCACTCGACAGCAAGACGACTGTGGCTTCACCCAGTCGAAAT-3'
Protein context (NP_000262.2, residues 956-976): CCRVDNITDQ[Phe966Tyr]CNASVVDPAC